The following is an entry in ClinVar:

ClinVar aggregate classification (germline): Likely benign. Review status: criteria provided, multiple submitters, no conflicts (2 of 4 stars). 2 submissions from 2 submitters: Likely benign (2). Last evaluated 2026-05-01.

Conditions:
X-linked distal spinal muscular atrophy type 3. Also called: ATP7A-Related Distal Motor Neuropathy; NEURONOPATHY, DISTAL HEREDITARY MOTOR, X-LINKED; NEUROPATHY, DISTAL HEREDITARY MOTOR, X-LINKED; SPINAL MUSCULAR ATROPHY, DISTAL, X-LINKED RECESSIVE. Identifiers: Orphanet 139557, MedGen C1845359, MONDO:0010338, OMIM 300489.
Menkes kinky-hair syndrome (MNK). Also called: Classic Menkes Disease; Copper transport disease; Menkes Disease. Identifiers: Orphanet 565, MedGen C0022716, MONDO:0010651, OMIM 309400.
Cutis laxa, X-linked (OHS). Also called: EDS IX; Occipital horn syndrome. Identifiers: Orphanet 198, MedGen C0268353, MONDO:0010572, OMIM 304150.

Submissions (2):

CeGaT Center for Human Genetics Tuebingen
Classification: Likely benign. Last evaluated: 2026-05-01. Review status: criteria provided, single submitter. Criteria: CeGaT Center For Human Genetics Tuebingen Variant Classification Criteria Version 2. Collection method: clinical testing. Allele origin: germline. Affected: yes. Observed: 1 variant allele.
Comment: ATP7A: PM2:Supporting, BP4, BP7

Labcorp Genetics (formerly Invitae), Labcorp
Classification: Likely benign for X-linked distal spinal muscular atrophy type 3; Cutis laxa, X-linked; Menkes kinky-hair syndrome. Last evaluated: 2023-01-15. Review status: criteria provided, single submitter. Criteria: Invitae Variant Classification Sherloc (09022015). Collection method: clinical testing. Allele origin: germline.

NM_000052.7(ATP7A):c.360T>G (p.Pro120=)

Gene: ATP7A (ATPase copper transporting alpha; plus strand). Cytogenetic location: Xq21.1.
Variant type: single nucleotide variant.
Coding change: c.360T>G on transcript NM_000052.7 (MANE Select); coding-DNA position 360, T replaced by G.
Protein change: p.Pro120=; no amino-acid change (proline 120 retained).
Molecular consequence: synonymous variant.
Genome position (GRCh38, 1-based): chrX:77,988,481, T>G. VCF-style: chrX-77988481-T-G. GRCh37 (hg19) VCF-style: chrX-77243977-T-G.
Other names: c.360T>G, p.Pro120= (NM_001282224.2).
Identifiers: ClinVar variation 2943225 (VCV002943225.5), dbSNP rs1557231616, ClinGen allele CA517463904.